The following is an entry in ClinVar:

ClinVar aggregate classification (germline): Likely benign (1 of 4 stars; one submission).

Conditions:
NRP1-related disorder. Also called: NRP1-related condition.

Submission:

PreventionGenetics, part of Exact Sciences
Classification: Likely benign for NRP1-related condition. Last evaluated: 2026-07-28. Review status: criteria provided, single submitter. Criteria: ACMG Guidelines, 2015. Collection method: clinical testing. Allele origin: germline.
Comment: This variant is classified as likely benign based on ACMG/AMP sequence variant interpretation guidelines (Richards et al. 2015 PMID: 25741868, with internal and published modifications).

NM_003873.7(NRP1):c.2335-5G>C

Gene: NRP1 (neuropilin 1; minus strand). Cytogenetic location: 10p11.22.
Variant type: single nucleotide variant.
Coding change: c.2335-5G>C on transcript NM_003873.7 (MANE Select); 5 bases into the intron before coding-DNA position 2335, G replaced by C.
Molecular consequence: intron variant.
Genome position (GRCh38, 1-based): chr10:33,185,729, C>G on the plus strand (G>C on the coding strand, the complement: NRP1 is on the minus strand). VCF-style: chr10-33185729-C-G. GRCh37 (hg19) VCF-style: chr10-33474657-C-G.
Other names: c.2314-5G>C (NM_001244973.2); c.2317-5G>C (NM_001244972.2); c.2335-5G>C (NM_001330068.2).
Identifiers: ClinVar variation 4995315 (VCV004995315.1).
Genomic context (GRCh38, chr10:33,185,729, plus strand): 5'-TCATCCACAGCAATCCCACCAAGGTTTCCTTTTCCGATTTCGCCCTCGAAAATCACCTAA[C>G]AAAATAAGATCATTTTCACAGTATTGAAATGCTCATCTCACATGGCAGTGTTTACAAATG-3'